The following is an entry in ClinVar:

NM_001848.3(COL6A1):c.1579T>C (p.Tyr527His)

Gene: COL6A1 (collagen type VI alpha 1 chain; plus strand). Cytogenetic location: 21q22.3.
Variant type: single nucleotide variant.
Coding change: c.1579T>C on transcript NM_001848.3 (MANE Select); coding-DNA position 1579, T replaced by C.
Protein change: p.Tyr527His; replaces tyrosine 527 with histidine.
Molecular consequence: missense variant.
Genome position (GRCh38, 1-based): chr21:45,998,401, T>C. VCF-style: chr21-45998401-T-C. GRCh37 (hg19) VCF-style: chr21-47418315-T-C.
Other names: short protein forms Y527H.
Identifiers: ClinVar variation 4717263 (VCV004717263.1).
Genomic context (GRCh38, chr21:45,998,401, plus strand): 5'-CACAGCCTCCCCTCTCAAATCAGAACCCGGTATCACTGCCCTGCTTTTCCATGACAGGGG[T>C]ATCCGGGCAACAGGGGCGCTCCCGGGATAAACGTGAGTACGCCCCCTCCTCCATCTGGCT-3'
Protein context (NP_001839.2, residues 517-537): GTEGFPGFPG[Tyr527His]PGNRGAPGIN

ClinVar aggregate classification (germline): Uncertain significance (1 of 4 stars; one submission).

Conditions:
Bethlem myopathy 1A. Also called: MYOPATHY, BENIGN CONGENITAL, WITH CONTRACTURES; Bethlem myopathy 1; Bethlem Muscular Dystrophy. Identifiers: Orphanet 610, MedGen CN029274, MONDO:0024530, OMIM 158810.

Submission:

Labcorp Genetics (formerly Invitae), Labcorp
Classification: Uncertain significance for Bethlem myopathy 1A. Last evaluated: 2025-03-30. Review status: criteria provided, single submitter. Criteria: Invitae Variant Classification Sherloc (09022015). Collection method: clinical testing. Allele origin: germline.
Comment: This sequence change replaces tyrosine, which is neutral and polar, with histidine, which is basic and polar, at codon 527 of the COL6A1 protein (p.Tyr527His). This variant is not present in population databases (gnomAD no frequency). This variant has not been reported in the literature in individuals affected with COL6A1-related conditions. Invitae Evidence Modeling of protein sequence and biophysical properties (such as structural, functional, and spatial information, amino acid conservation, physicochemical variation, residue mobility, and thermodynamic stability) has been performed for this missense variant. However, the output from this modeling did not meet the statistical confidence thresholds required to predict the impact of this variant on COL6A1 protein function. In summary, the available evidence is currently insufficient to determine the role of this variant in disease. Therefore, it has been classified as a Variant of Uncertain Significance.